The following is an entry in ClinVar:

ClinVar aggregate classification (germline): Uncertain significance (1 of 4 stars; one submission).

Conditions:
Chuvash polycythemia. Also called: POLYCYTHEMIA, VHL-DEPENDENT. Identifiers: Orphanet 238557, MedGen C1837915, MONDO:0009892, OMIM 263400.
Von Hippel-Lindau syndrome (VHLS). Also called: von Hippel–Lindau syndrome; VHL syndrome; Von Hippel-Lindau. Identifiers: Orphanet 892, MedGen C0019562, MONDO:0008667, OMIM 193300. Disease mechanism: loss of function.

gnomAD v4.1: 1 of 1,604,544 alleles (0.000062%); highest among the groups gnomAD compares: Non-Finnish European, 0.000085%; no homozygotes.

Submission:

Labcorp Genetics (formerly Invitae), Labcorp
Classification: Uncertain significance for Von Hippel-Lindau syndrome; Chuvash polycythemia. Last evaluated: 2023-06-18. Review status: criteria provided, single submitter. Criteria: Invitae Variant Classification Sherloc (09022015). Collection method: clinical testing. Allele origin: germline.
Comment: In summary, the available evidence is currently insufficient to determine the role of this variant in disease. Therefore, it has been classified as a Variant of Uncertain Significance. Advanced modeling of protein sequence and biophysical properties (such as structural, functional, and spatial information, amino acid conservation, physicochemical variation, residue mobility, and thermodynamic stability) performed at Invitae indicates that this missense variant is expected to disrupt VHL protein function. This variant has not been reported in the literature in individuals affected with VHL-related conditions. This variant is not present in population databases (gnomAD no frequency). This sequence change replaces valine, which is neutral and non-polar, with isoleucine, which is neutral and non-polar, at codon 83 of the VHL protein (p.Val83Ile).

NM_000551.4(VHL):c.247G>A (p.Val83Ile)

Gene: VHL (von Hippel-Lindau tumor suppressor; plus strand). Cytogenetic location: 3p25.3.
Variant type: single nucleotide variant.
Coding change: c.247G>A on transcript NM_000551.4 (MANE Select); coding-DNA position 247, G replaced by A.
Protein change: p.Val83Ile; replaces valine 83 with isoleucine.
Molecular consequence: missense variant. On other transcripts: non-coding transcript variant (1).
Genome position (GRCh38, 1-based): chr3:10,142,094, G>A. VCF-style: chr3-10142094-G-A. GRCh37 (hg19) VCF-style: chr3-10183778-G-A.
Other names: c.247G>A, p.Val83Ile (NM_198156.3, NM_001354723.2); short protein forms V83I.
Identifiers: ClinVar variation 2932590 (VCV002932590.3), dbSNP rs751042065, ClinGen allele CA351750561.